The following is an entry in ClinVar:

NM_024782.3(NHEJ1):c.205C>G (p.Pro69Ala)

Gene: NHEJ1 (non-homologous end joining factor 1; minus strand). Cytogenetic location: 2q35.
Variant type: single nucleotide variant.
Coding change: c.205C>G on transcript NM_024782.3 (MANE Select); coding-DNA position 205, C replaced by G.
Protein change: p.Pro69Ala; replaces proline 69 with alanine.
Molecular consequence: missense variant. On other transcripts: non-coding transcript variant (1).
Genome position (GRCh38, 1-based): chr2:219,157,657, G>C on the plus strand (C>G on the coding strand, the complement: NHEJ1 is on the minus strand). VCF-style: chr2-219157657-G-C. GRCh37 (hg19) VCF-style: chr2-220022379-G-C.
Other names: c.205C>G, p.Pro69Ala (NM_001377498.1, NM_001377499.1); short protein forms P69A.
Identifiers: ClinVar variation 3724167 (VCV003724167.2).

ClinVar aggregate classification (germline): Uncertain significance (1 of 4 stars; one submission).

Conditions:
Cernunnos-XLF deficiency (IMD124). Also called: Severe combined immunodeficiency with sensitivity to ionizing radiation due to NHEJ1 deficiency; SCID, autosomal recessive, T cell-negative, B cell-negative, NK cell-positive, and sensitivity to ionizing radiation due to NHEJ1 deficiency; IMMUNODEFICIENCY 124, SEVERE COMBINED; NHEJ1 SYNDROME; SCID, AUTOSOMAL RECESSIVE, T CELL-NEGATIVE, B CELL-NEGATIVE, NK CELL-POSITIVE, WITH MICROCEPHALY, GROWTH RETARDATION, AND SENSITIVITY TO IONIZING RADIATION. Identifiers: Orphanet 169079, MedGen C1969799, MONDO:0012650, OMIM 611291.

gnomAD v4.1: 4 of 1,613,992 alleles (0.00025%); highest among the groups gnomAD compares: Non-Finnish European, 0.00034%; no homozygotes.

Submission:

Labcorp Genetics (formerly Invitae), Labcorp
Classification: Uncertain significance for Cernunnos-XLF deficiency. Last evaluated: 2025-01-27. Review status: criteria provided, single submitter. Criteria: Invitae Variant Classification Sherloc (09022015). Collection method: clinical testing. Allele origin: germline.
Comment: This sequence change replaces proline, which is neutral and non-polar, with alanine, which is neutral and non-polar, at codon 69 of the NHEJ1 protein (p.Pro69Ala). This variant is not present in population databases (gnomAD no frequency). This variant has not been reported in the literature in individuals affected with NHEJ1-related conditions. Invitae Evidence Modeling of protein sequence and biophysical properties (such as structural, functional, and spatial information, amino acid conservation, physicochemical variation, residue mobility, and thermodynamic stability) indicates that this missense variant is not expected to disrupt NHEJ1 protein function with a negative predictive value of 80%. In summary, the available evidence is currently insufficient to determine the role of this variant in disease. Therefore, it has been classified as a Variant of Uncertain Significance.